The following is an entry in ClinVar:

NM_032730.5(RTN4IP1):c.957dup (p.Thr320fs)

Gene: RTN4IP1 (reticulon 4 interacting protein 1; minus strand). Cytogenetic location: 6q21.
Variant type: Duplication.
Coding change: c.957dup on transcript NM_032730.5 (MANE Select); coding-DNA position 957, one base duplicated (G; older notation c.957dupG).
Protein change: p.Thr320fs; shifts the reading frame from threonine 320.
Molecular consequence: frameshift variant.
Genome position (GRCh38, 1-based): chr6:106,587,712, C duplicated on the plus strand (G on the coding strand, the reverse complement: RTN4IP1 is on the minus strand). VCF-style (leftmost placement, unchanged base first): chr6-106587711-T-TC. GRCh37 (hg19) VCF-style: chr6-107035586-T-TC.
Other names: c.957dupG (NM_032730.5); c.657dup, p.Thr220fs (NM_001318746.1); short protein forms T220fs, T320fs.
Identifiers: ClinVar variation 2070800 (VCV002070800.3), dbSNP rs756747776, ClinGen allele CA3944328.
Genomic context (GRCh38, chr6:106,587,711, plus strand): 5'-AGTCACCAACCAAGACCCTTCTTCCTACCTTTAATGCCTTTGAACCTACAGTGACTCCTG[T>TC]CTGCAACATGCCATCTGCTATGCCCAATCGGTCCATGTTCAGGAGGAAAGGAGTCACCAA-3'

ClinVar aggregate classification (germline): Pathogenic/Likely pathogenic. Review status: criteria provided, multiple submitters, no conflicts (2 of 4 stars). 2 submissions from 2 submitters: Pathogenic (1); Likely pathogenic (1). Last evaluated 2025-07-18.

Conditions:
RTN4IP1-related disorder. Also called: RTN4IP1-related condition.

Allele frequency attached by ClinVar (database versions not stated): TOPMed 0.00001; gnomAD 0.00002; gnomAD exomes 0.00002; ExAC 0.00005.

Submissions (2):

PreventionGenetics, part of Exact Sciences
Classification: Likely pathogenic for RTN4IP1-related condition. Last evaluated: 2025-07-18. Review status: criteria provided, single submitter. Criteria: ACMG Guidelines, 2015. Collection method: clinical testing. Allele origin: germline.
Comment: The RTN4IP1 c.957dupG variant is predicted to result in a frameshift and premature protein termination (p.Thr320Aspfs*33). To our knowledge, this variant has not been reported in the literature. This variant is present in 0.023% of alleles in individuals of South Asian descent in gnomAD. Frameshift variants in RTN4IP1 are an established mechanism of disease. This variant is interpreted as likely pathogenic.

Labcorp Genetics (formerly Invitae), Labcorp
Classification: Pathogenic. Last evaluated: 2022-09-13. Review status: criteria provided, single submitter. Criteria: Invitae Variant Classification Sherloc (09022015). Collection method: clinical testing. Allele origin: germline.
Comment: This sequence change creates a premature translational stop signal (p.Thr320Aspfs*33) in the RTN4IP1 gene. While this is not anticipated to result in nonsense mediated decay, it is expected to disrupt the last 77 amino acid(s) of the RTN4IP1 protein. This variant is present in population databases (rs756747776, gnomAD 0.02%). This variant has not been reported in the literature in individuals affected with RTN4IP1-related conditions. Algorithms developed to predict the effect of sequence changes on RNA splicing suggest that this variant may create or strengthen a splice site. This variant disrupts a region of the RTN4IP1 protein in which other variant(s) (p.Arg388*) have been determined to be pathogenic (PMID: 31077085). This suggests that this is a clinically significant region of the protein, and that variants that disrupt it are likely to be disease-causing. For these reasons, this variant has been classified as Pathogenic.

Literature cited by the submitters: PubMed 31077085 (cited by Labcorp Genetics (formerly Invitae), Labcorp).